The following is an entry in ClinVar:

NM_001846.4(COL4A2):c.1914C>T (p.Ala638=)

Gene: COL4A2 (collagen type IV alpha 2 chain; plus strand). Cytogenetic location: 13q34.
Variant type: single nucleotide variant.
Coding change: c.1914C>T on transcript NM_001846.4 (MANE Select); coding-DNA position 1914, C replaced by T.
Protein change: p.Ala638=; no amino-acid change (alanine 638 retained).
Molecular consequence: synonymous variant.
Genome position (GRCh38, 1-based): chr13:110,465,542, C>T. VCF-style: chr13-110465542-C-T. GRCh37 (hg19) VCF-style: chr13-111117889-C-T.
Identifiers: ClinVar variation 882774 (VCV000882774.8), dbSNP rs779939063, ClinGen allele CA7049747.
Genomic context (GRCh38, chr13:110,465,542, plus strand): 5'-GGGCCCCCCAGGACTGGGCCTTCCCGGCCTCAAAGGCCAACGTGGTTTCCCTGGAGACGC[C>T]GGCTTACCTGGACCACCAGGCTTCCTGGGCCCTCCTGGCCCCGCAGGGACCCCAGGACAA-3'
Protein context (NP_001837.2, residues 628-648): LKGQRGFPGD[Ala638=]GLPGPPGFLG

ClinVar aggregate classification (germline): Benign/Likely benign. Review status: criteria provided, multiple submitters, no conflicts (2 of 4 stars). 3 submissions from 3 submitters: Benign (2); Likely benign (1). Last evaluated 2025-08-18.

Conditions:
Brain small vessel disease 2A, autosomal dominant. Also called: Porencephaly 2. Identifiers: Orphanet 2940, Orphanet 99810, MedGen C3280970, MONDO:0013773, OMIM 614483.

Allele frequency attached by ClinVar (database versions not stated): gnomAD 0.00002 and 0.00003; TOPMed 0.00008; ExAC 0.00026.
gnomAD v4.1: 134 of 1,613,858 alleles (0.0083%); highest among the groups gnomAD compares: East Asian, 0.25%; no homozygotes.

Submissions (3):

Labcorp Genetics (formerly Invitae), Labcorp
Classification: Benign. Last evaluated: 2025-08-18. Review status: criteria provided, single submitter. Criteria: Invitae Variant Classification Sherloc (09022015). Collection method: clinical testing. Allele origin: germline.

Blueprint Genetics
Classification: Likely benign. Last evaluated: 2022-03-09. Review status: criteria provided, single submitter. Criteria: ACMG Guidelines, 2015. Collection method: clinical testing. Allele origin: germline.

Illumina Laboratory Services, Illumina
Classification: Benign for Brain small vessel disease 2A, autosomal dominant. Last evaluated: 2018-01-13. Review status: criteria provided, single submitter. Criteria: ICSL Variant Classification Criteria 13 December 2019. Collection method: clinical testing. Allele origin: germline.
Comment: This variant was observed in the ICSL laboratory as part of a predisposition screen in an ostensibly healthy population. It had not been previously curated by ICSL or reported in the Human Gene Mutation Database (HGMD: prior to June 1st, 2018), and was therefore a candidate for classification through an automated scoring system. Utilizing variant allele frequency, disease prevalence and penetrance estimates, and inheritance mode, an automated score was calculated to assess if this variant is too frequent to cause the disease. Based on the score and internal cut-off values, a variant classified as benign is not then subjected to further curation. The score for this variant resulted in a classification of benign for this disease.